The following is an entry in ClinVar:

NM_000548.5(TSC2):c.1872C>T (p.Asp624=)

Gene: TSC2 (TSC complex subunit 2; plus strand). Cytogenetic location: 16p13.3.
Variant type: single nucleotide variant.
Coding change: c.1872C>T on transcript NM_000548.5 (MANE Select); coding-DNA position 1872, C replaced by T.
Protein change: p.Asp624=; no amino-acid change (aspartic acid 624 retained).
Molecular consequence: synonymous variant.
Genome position (GRCh38, 1-based): chr16:2,071,542, C>T. VCF-style: chr16-2071542-C-T. GRCh37 (hg19) VCF-style: chr16-2121543-C-T.
Other names: c.1872C>T, p.Asp624= (NM_001077183.3, NM_001114382.3, NM_001363528.2 and 3 more transcripts); c.1761C>T, p.Asp587= (NM_001318827.2); c.1725C>T, p.Asp575= (NM_001318829.2); c.1272C>T, p.Asp424= (NM_001318831.2); c.1905C>T, p.Asp635= (NM_001318832.2).
Identifiers: ClinVar variation 762194 (VCV000762194.14), dbSNP rs1596342301, ClinGen allele CA492950299.

ClinVar aggregate classification (germline): Benign/Likely benign. Review status: criteria provided, multiple submitters, no conflicts (2 of 4 stars). 4 submissions from 4 submitters: Benign (1); Likely benign (3). Last evaluated 2026-01-19.

Conditions:
Tuberous sclerosis syndrome (TSC). Also called: Tuberous Sclerosis Complex; Tuberous sclerosis. Identifiers: Orphanet 805, MedGen C0041341, MONDO:0001734.
Tuberous sclerosis 2 (TSC2). Identifiers: Orphanet 805, MedGen C1860707, MONDO:0013199, OMIM 613254.
Hereditary cancer-predisposing syndrome. Also called: Tumor predisposition; Hereditary Cancer Syndrome; Neoplastic Syndromes, Hereditary; Hereditary neoplastic syndrome. Identifiers: Orphanet 140162, MedGen C0027672, MeSH D009386, MONDO:0015356.

gnomAD v4.1: 1 of 1,613,576 alleles (0.000062%); highest among the groups gnomAD compares: Non-Finnish European, 0.000085%; no homozygotes.

Submissions (4):

Labcorp Genetics (formerly Invitae), Labcorp
Classification: Likely benign for Tuberous sclerosis 2. Last evaluated: 2026-01-19. Review status: criteria provided, single submitter. Criteria: Invitae Variant Classification Sherloc (09022015). Collection method: clinical testing. Allele origin: germline.

Color Diagnostics, LLC DBA Color Health
Classification: Likely benign for Tuberous sclerosis syndrome. Last evaluated: 2025-07-08. Review status: criteria provided, single submitter. Criteria: ACMG Guidelines, 2015. Collection method: clinical testing. Allele origin: germline.

Myriad Genetics, Inc.
Classification: Benign for Tuberous sclerosis 2. Last evaluated: 2025-05-16. Review status: criteria provided, single submitter. Criteria: Myriad Autosomal Dominant, Autosomal Recessive and X-Linked Classification Criteria (2023). Collection method: clinical testing. Allele origin: unknown.
Comment: This variant is considered benign. This variant is a silent/synonymous amino acid change and it is not expected to impact splicing.

Ambry Genetics
Classification: Likely benign for Hereditary cancer-predisposing syndrome. Last evaluated: 2022-04-04. Review status: criteria provided, single submitter. Criteria: Ambry Variant Classification Scheme 2023. Collection method: clinical testing. Allele origin: germline.